The following is an entry in ClinVar:

NM_001041.4(SI):c.3976A>G (p.Thr1326Ala)

Gene: SI (sucrase-isomaltase; minus strand). Cytogenetic location: 3q26.1.
Variant type: single nucleotide variant.
Coding change: c.3976A>G on transcript NM_001041.4 (MANE Select); coding-DNA position 3976, A replaced by G.
Protein change: p.Thr1326Ala; replaces threonine 1326 with alanine.
Molecular consequence: missense variant.
Genome position (GRCh38, 1-based): chr3:165,015,146, T>C on the plus strand (A>G on the coding strand, the complement: SI is on the minus strand). VCF-style: chr3-165015146-T-C. GRCh37 (hg19) VCF-style: chr3-164732934-T-C.
Other names: short protein forms T1326A.
Identifiers: ClinVar variation 3795835 (VCV003795835.2).

ClinVar aggregate classification (germline): Uncertain significance. Review status: criteria provided, multiple submitters, no conflicts (2 of 4 stars). 2 submissions from 2 submitters: Uncertain significance (2). Last evaluated 2025-12-09.

Conditions:
Inborn genetic diseases. Identifiers: MedGen C0950123, MeSH D030342.

gnomAD v4.1: 9 of 1,612,340 alleles (0.00056%); highest among the groups gnomAD compares: Non-Finnish European, 0.00076%; no homozygotes.

Submissions (2):

Labcorp Genetics (formerly Invitae), Labcorp
Classification: Uncertain significance. Last evaluated: 2025-12-09. Review status: criteria provided, single submitter. Criteria: Invitae Variant Classification Sherloc (09022015). Collection method: clinical testing. Allele origin: germline.
Comment: This sequence change replaces threonine, which is neutral and polar, with alanine, which is neutral and non-polar, at codon 1326 of the SI protein (p.Thr1326Ala). This variant is not present in population databases (gnomAD no frequency). This variant has not been reported in the literature in individuals affected with SI-related conditions. ClinVar contains an entry for this variant (Variation ID: 3795835). Invitae Evidence Modeling of protein sequence and biophysical properties (such as structural, functional, and spatial information, amino acid conservation, physicochemical variation, residue mobility, and thermodynamic stability) indicates that this missense variant is not expected to disrupt SI protein function with a negative predictive value of 95%. In summary, the available evidence is currently insufficient to determine the role of this variant in disease. Therefore, it has been classified as a Variant of Uncertain Significance.

Ambry Genetics
Classification: Uncertain significance for Inborn genetic diseases. Last evaluated: 2024-12-23. Review status: criteria provided, single submitter. Criteria: Ambry Variant Classification Scheme 2023. Collection method: clinical testing. Allele origin: germline.